The following is an entry in ClinVar:

ClinVar aggregate classification (germline): Uncertain significance. Review status: criteria provided, multiple submitters, no conflicts (2 of 4 stars). 2 submissions from 2 submitters: Uncertain significance (2). Last evaluated 2026-03-23.

Submissions (2):

Women's Health and Genetics/Laboratory Corporation of America, LabCorp
Classification: Uncertain significance. Last evaluated: 2026-03-23. Review status: criteria provided, single submitter. Criteria: LabCorp Variant Classification Summary - May 2015. Collection method: clinical testing. Allele origin: germline.
Comment: Variant summary: AEBP1 c.409A>G (p.Lys137Glu) results in a conservative amino acid change in the encoded protein sequence. Algorithms developed to predict the effect of missense changes on protein structure and function are either unavailable or do not agree on the potential impact of this missense change. The variant was absent in 249012 control chromosomes. The available data on variant occurrences in the general population are insufficient to allow any conclusion about variant significance. To our knowledge, no occurrence of c.409A>G in individuals affected with AEBP1-related conditions and no experimental evidence demonstrating its impact on protein function have been reported. ClinVar contains an entry for this variant (Variation ID: 1514022). Based on the evidence outlined above, the variant was classified as uncertain significance.

Labcorp Genetics (formerly Invitae), Labcorp
Classification: Uncertain significance. Last evaluated: 2024-10-29. Review status: criteria provided, single submitter. Criteria: Invitae Variant Classification Sherloc (09022015). Collection method: clinical testing. Allele origin: germline.
Comment: This sequence change replaces lysine, which is basic and polar, with glutamic acid, which is acidic and polar, at codon 137 of the AEBP1 protein (p.Lys137Glu). This variant is not present in population databases (gnomAD no frequency). This variant has not been reported in the literature in individuals affected with AEBP1-related conditions. ClinVar contains an entry for this variant (Variation ID: 1514022). Experimental studies and prediction algorithms are not available or were not evaluated, and the functional significance of this variant is currently unknown. In summary, the available evidence is currently insufficient to determine the role of this variant in disease. Therefore, it has been classified as a Variant of Uncertain Significance.

NM_001129.5(AEBP1):c.409A>G (p.Lys137Glu)

Gene: AEBP1 (AE binding protein 1; plus strand). Cytogenetic location: 7p13.
Variant type: single nucleotide variant.
Coding change: c.409A>G on transcript NM_001129.5 (MANE Select); coding-DNA position 409, A replaced by G.
Protein change: p.Lys137Glu; replaces lysine 137 with glutamic acid.
Molecular consequence: missense variant.
Genome position (GRCh38, 1-based): chr7:44,106,701, A>G. VCF-style: chr7-44106701-A-G. GRCh37 (hg19) VCF-style: chr7-44146300-A-G.
Other names: short protein forms K137E.
Identifiers: ClinVar variation 1514022 (VCV001514022.7), dbSNP rs748076995, ClinGen allele CA367357744.
Genomic context (GRCh38, chr7:44,106,701, plus strand): 5'-CCCAAGAAGGGGAAGGAGAAGCCACCCAAGGCCACCAAGAAGCCCAAGGAGAAGCCACCT[A>G]AGGCCACCAAGAAGCCCAAGGAGAAGCCACCCAAGGCCACCAAGAAGCCCAAAGAGAAGC-3'
Protein context (NP_001120.3, residues 127-147): ATKKPKEKPP[Lys137Glu]ATKKPKEKPP